The following is an entry in ClinVar:

ClinVar aggregate classification (germline): Uncertain significance. Review status: criteria provided, multiple submitters, no conflicts (2 of 4 stars). 3 submissions from 3 submitters: Uncertain significance (3). Last evaluated 2026-01-14.

Conditions:
Sitosterolemia 2. Identifiers: MedGen C5231453, MONDO:0020748, OMIM 618666.
Sitosterolemia (STSL). Also called: PHYTOSTEROLEMIA. Identifiers: Orphanet 2882, MedGen C0342907, MONDO:0008863.
Cardiovascular phenotype. Identifiers: MedGen CN230736.

Allele frequency attached by ClinVar (database versions not stated): gnomAD 0.00004; TOPMed 0.00004; ExAC 0.00011; gnomAD exomes 0.00005.
gnomAD v4.1: 76 of 1,608,788 alleles (0.0047%); highest among the groups gnomAD compares: South Asian, 0.065%; 1 homozygote.

Submissions (3):

Labcorp Genetics (formerly Invitae), Labcorp
Classification: Uncertain significance for Sitosterolemia. Last evaluated: 2026-01-14. Review status: criteria provided, single submitter. Criteria: Invitae Variant Classification Sherloc (09022015). Collection method: clinical testing. Allele origin: germline.
Comment: This sequence change replaces valine, which is neutral and non-polar, with alanine, which is neutral and non-polar, at codon 576 of the ABCG5 protein (p.Val576Ala). This variant is present in population databases (rs757537317, gnomAD 0.06%). This variant has not been reported in the literature in individuals affected with ABCG5-related conditions. ClinVar contains an entry for this variant (Variation ID: 1778887). An algorithm developed to predict the effect of missense changes on protein structure and function (PolyPhen-2) suggests that this variant is likely to be tolerated. In summary, the available evidence is currently insufficient to determine the role of this variant in disease. Therefore, it has been classified as a Variant of Uncertain Significance.

Revvity Omics, Revvity
Classification: Uncertain significance for Sitosterolemia 2. Last evaluated: 2023-03-31. Review status: criteria provided, single submitter. Criteria: ACMG Guidelines, 2015. Collection method: clinical testing. Allele origin: germline.

Ambry Genetics
Classification: Uncertain significance for Cardiovascular phenotype. Last evaluated: 2022-04-03. Review status: criteria provided, single submitter. Criteria: Ambry Variant Classification Scheme 2023. Collection method: clinical testing. Allele origin: germline.
Comment: The p.V576A variant (also known as c.1727T>C), located in coding exon 12 of the ABCG5 gene, results from a T to C substitution at nucleotide position 1727. The valine at codon 576 is replaced by alanine, an amino acid with similar properties. This amino acid position is conserved. In addition, this alteration is predicted to be tolerated by in silico analysis. Since supporting evidence is limited at this time, the clinical significance of this alteration remains unclear.

NM_022436.3(ABCG5):c.1727T>C (p.Val576Ala)

Genes: ABCG5 (ATP binding cassette subfamily G member 5; minus strand), DYNC2LI1 (dynein cytoplasmic 2 light intermediate chain 1; plus strand). Cytogenetic location: 2p21.
Variant type: single nucleotide variant.
Coding change: c.1727T>C on transcript NM_022436.3 (MANE Select); coding-DNA position 1727, T replaced by C.
Protein change: p.Val576Ala; replaces valine 576 with alanine.
Molecular consequence: missense variant. On other transcripts: intron variant (2).
Genome position (GRCh38, 1-based): chr2:43,814,512, A>G on the plus strand (T>C on the coding strand, the complement: ABCG5 is on the minus strand). VCF-style: chr2-43814512-A-G. GRCh37 (hg19) VCF-style: chr2-44041651-A-G.
Other names: c.*15+3988A>G (NM_001348913.2, NM_001348912.2); short protein forms V576A.
Identifiers: ClinVar variation 1778887 (VCV001778887.4), dbSNP rs757537317, ClinGen allele CA1636185.
Genomic context (GRCh38, chr2:43,814,512, plus strand): 5'-TAATATCCCCAAATAGAATACTTACCACAAGTGAAATTCAGTCCGTAGAACTCATTGACT[A>G]CAAGAATCTCACTGCAATATTTTTGGAATGTAAAATAACTGATGATTTTAAAAGGAATGG-3'
Protein context (NP_071881.1, residues 566-586): TFQKYCSEIL[Val576Ala]VNEFYGLNFT